The following is an entry in ClinVar:

NM_017780.4(CHD7):c.457C>T (p.Pro153Ser)

Gene: CHD7 (chromodomain helicase DNA binding protein 7; plus strand). Cytogenetic location: 8q12.2.
Variant type: single nucleotide variant.
Coding change: c.457C>T on transcript NM_017780.4 (MANE Select); coding-DNA position 457, C replaced by T.
Protein change: p.Pro153Ser; replaces proline 153 with serine.
Molecular consequence: missense variant.
Genome position (GRCh38, 1-based): chr8:60,741,889, C>T. VCF-style: chr8-60741889-C-T. GRCh37 (hg19) VCF-style: chr8-61654448-C-T.
Other names: c.457C>T, p.Pro153Ser (NM_001316690.1); short protein forms P153S.
Identifiers: ClinVar variation 3383893 (VCV003383893.1).

ClinVar aggregate classification (germline): Uncertain significance (1 of 4 stars; one submission).

Submission:

GeneDx
Classification: Uncertain significance. Last evaluated: 2024-05-31. Review status: criteria provided, single submitter. Criteria: GeneDx Variant Classification Process June 2021. Collection method: clinical testing. Allele origin: germline. Affected: yes.
Comment: Not observed at significant frequency in large population cohorts (gnomAD); In silico analysis indicates that this missense variant does not alter protein structure/function; Has not been previously published as pathogenic or benign to our knowledge